The following is an entry in ClinVar:

ClinVar aggregate classification (germline): Uncertain significance (1 of 4 stars; one submission).

Conditions:
Hereditary cancer-predisposing syndrome. Also called: Hereditary Cancer Syndrome; Hereditary neoplastic syndrome; Neoplastic Syndromes, Hereditary; Tumor predisposition. Identifiers: Orphanet 140162, MedGen C0027672, MeSH D009386, MONDO:0015356.

Submission:

Ambry Genetics
Classification: Uncertain significance for Hereditary cancer-predisposing syndrome. Last evaluated: 2022-05-04. Review status: criteria provided, single submitter. Criteria: Ambry Variant Classification Scheme 2023. Collection method: clinical testing. Allele origin: germline.
Comment: The c.1296_1297delATinsGC variant (also known as p.F433L), located in coding exon 7 of the RET gene, results from an in-frame deletion of AT and insertion of GC at nucleotide positions 1296 to 1297. This results in the substitution of the phenylalanine residue for a leucine residue at codon 433, an amino acid with highly similar properties. This amino acid position is well conserved in available vertebrate species; however, leucine is the reference amino acid in other vertebrate species. In addition, this alteration is predicted to be neutral by in silico analysis (Choi Y et al. PLoS ONE. 2012; 7(10):e46688). Since supporting evidence is limited at this time, the clinical significance of this alteration remains unclear.

NM_020975.6(RET):c.1296_1297delinsGC (p.Phe433Leu)

Gene: RET (ret proto-oncogene; plus strand). Cytogenetic location: 10q11.21.
Variant type: Indel.
Coding change: c.1296_1297delinsGC on transcript NM_020975.6 (MANE Select); coding-DNA positions 1296 to 1297, AT replaced by GC.
Protein change: p.Phe433Leu; replaces phenylalanine 433 with leucine.
Molecular consequence: missense variant.
Genome position (GRCh38, 1-based): chr10:43,111,239-43,111,240, AT replaced by GC. VCF-style: chr10-43111239-AT-GC. GRCh37 (hg19) VCF-style: chr10-43606687-AT-GC.
Other names: c.1296_1297delATinsGC, p.Phe433Leu (NM_000323.2, NM_001406743.1, NM_001406744.1 and 6 more transcripts); c.534_535delATinsGC, p.Phe179Leu (NM_001355216.2); c.1167_1168delATinsGC, p.Phe390Leu (NM_001406761.1, NM_001406762.1, NM_001406764.1 and 1 more transcripts); c.1008_1009delATinsGC, p.Phe337Leu (NM_001406766.1, NM_001406767.1, NM_001406770.1); c.900_901delATinsGC, p.Phe301Leu (NM_001406769.1, NM_001406772.1); c.858_859delATinsGC, p.Phe287Leu (NM_001406771.1, NM_001406773.1); c.771_772delATinsGC, p.Phe258Leu (NM_001406774.1); c.570_571delATinsGC, p.Phe191Leu (NM_001406775.1, NM_001406776.1, NM_001406777.1 and 1 more transcripts); and 1 more; short protein forms F191L, F337L, F433L, F258L, F287L, F301L, F103L, F179L.
Identifiers: ClinVar variation 1769201 (VCV001769201.2), dbSNP rs2538440423, ClinGen allele CA2580081494.